The following is an entry in ClinVar:

ClinVar aggregate classification (germline): Pathogenic/Likely pathogenic. Review status: criteria provided, multiple submitters, no conflicts (2 of 4 stars). 2 submissions from 2 submitters: Pathogenic (1); Likely pathogenic (1). Last evaluated 2022-01-27.

Conditions:
Loeys-Dietz syndrome 4 (LDS4). Also called: TGFB2-Related Loeys-Dietz Syndrome; ANEURYSM, AORTIC AND CEREBRAL, WITH ARTERIAL TORTUOSITY AND SKELETAL MANIFESTATIONS. Identifiers: MedGen C3553762, MONDO:0013897, OMIM 614816.

Submissions (2):

GeneDx
Classification: Likely pathogenic. Last evaluated: 2022-01-27. Review status: criteria provided, single submitter. Criteria: GeneDx Variant Classification Process June 2021. Collection method: clinical testing. Allele origin: germline. Affected: yes.
Comment: Has not been previously published as pathogenic or benign to our knowledge; Not observed at significant frequency in large population cohorts (gnomAD); Nonsense variant predicted to result in protein truncation or nonsense mediated decay in a gene for which loss-of-function is a known mechanism of disease; Reported in ClinVar as pathogenic or likely pathogenic (ClinVar Variant ID# 180536)

Labcorp Genetics (formerly Invitae), Labcorp
Classification: Pathogenic for Loeys-Dietz syndrome 4. Last evaluated: 2020-05-26. Review status: criteria provided, single submitter. Criteria: Invitae Variant Classification Sherloc (09022015). Collection method: clinical testing. Allele origin: germline.
Comment: For these reasons, this variant has been classified as Pathogenic. Loss-of-function variants in TGFB2 are known to be pathogenic (PMID: 22772368, 22772371). This variant is not present in population databases (ExAC no frequency). This sequence change creates a premature translational stop signal (p.Gln182*) in the TGFB2 gene. It is expected to result in an absent or disrupted protein product. This variant has not been reported in the literature in individuals with TGFB2-related conditions. ClinVar contains an entry for this variant (Variation ID: 180536).

Literature cited by the submitters: PubMed 22772368 (cited by Labcorp Genetics (formerly Invitae), Labcorp); PubMed 22772371 (cited by Labcorp Genetics (formerly Invitae), Labcorp).

NM_003238.6(TGFB2):c.544C>T (p.Gln182Ter)

Gene: TGFB2 (transforming growth factor beta 2; plus strand). Cytogenetic location: 1q41.
Variant type: single nucleotide variant.
Coding change: c.544C>T on transcript NM_003238.6 (MANE Select); coding-DNA position 544, C replaced by T.
Protein change: p.Gln182Ter; replaces glutamine 182 with a stop codon.
Molecular consequence: nonsense. On other transcripts: non-coding transcript variant (2).
Genome position (GRCh38, 1-based): chr1:218,434,115, C>T. VCF-style: chr1-218434115-C-T. GRCh37 (hg19) VCF-style: chr1-218607457-C-T.
Other names: c.628C>T, p.Gln210Ter (NM_001135599.4); short protein forms Q182*, Q210*.
Identifiers: ClinVar variation 180536 (VCV000180536.14), dbSNP rs730880221, ClinGen allele CA346685.